The following is an entry in ClinVar:

NM_000138.5(FBN1):c.5971A>T (p.Asn1991Tyr)

Gene: FBN1 (fibrillin 1; minus strand). Cytogenetic location: 15q21.1.
Variant type: single nucleotide variant.
Coding change: c.5971A>T on transcript NM_000138.5 (MANE Select); coding-DNA position 5971, A replaced by T.
Protein change: p.Asn1991Tyr; replaces asparagine 1991 with tyrosine.
Molecular consequence: missense variant.
Genome position (GRCh38, 1-based): chr15:48,444,607, T>A on the plus strand (A>T on the coding strand, the complement: FBN1 is on the minus strand). VCF-style: chr15-48444607-T-A. GRCh37 (hg19) VCF-style: chr15-48736804-T-A.
Other names: p.N1991Y:AAC>TAC; short protein forms N1991Y.
Identifiers: ClinVar variation 200072 (VCV000200072.2), dbSNP rs794728243, ClinGen allele CA016200.

ClinVar aggregate classification (germline): Uncertain significance (1 of 4 stars; one submission).

Submission:

GeneDx
Classification: Uncertain significance. Last evaluated: 2014-02-15. Review status: criteria provided, single submitter. Criteria: GeneDx Variant Classification (06012015). Collection method: clinical testing. Allele origin: germline. Affected: yes.
Comment: p.Asn1991Tyr (AAC>TAC): c.5971 A>T in exon 49 of the FBN1 gene (NM_000138.4)The N1991Y variant in the FBN1 gene has not been reported as a disease-causing mutation or as a benign polymorphism to our knowledge. The N1991Y variant is a semi-conservative amino acid substitution as these residues share similar properties, but differ in size, charge, or other properties which may impact secondary structure. The N1991 residue is conserved across species. In silico analysis predicts N1991Y is probably damaging to the protein structure/function. Mutations in nearby residues (G987R, G1987V, C1998Y, C1000S) have been reported in association with Marfan syndrome, supporting the functional importance of this region of the protein. The N1991Y variant was not observed in approximately 6,500 individuals of European and African American ancestry in the NHLBI Exome Sequencing Project, indicating it is not a common benign variant in these populations.With the clinical and molecular information available at this time, we cannot definitively determine if N1991Y is a disease-causing mutation or a rare benign variant. The variant is found in TAAD panel(s).